The following is an entry in ClinVar:

ClinVar aggregate classification (germline): Likely pathogenic (1 of 4 stars; one submission).

Conditions:
Neurodevelopmental disorder, RABGAP1-related.

gnomAD v4.1: 1 of 1,601,630 alleles (0.000062%); highest among the groups gnomAD compares: Non-Finnish European, 0.000085%; no homozygotes.

Submission:

Groupe Hospitalier Pitie Salpetriere, Uf Genomique Du Developpement, Assistance Publique Hopitaux de Paris Sorbonne Université
Classification: Likely pathogenic for Neurodevelopmental disorder, RABGAP1-related. Last evaluated: 2023-01-01. Review status: criteria provided, single submitter. Criteria: ACMG Guidelines, 2015. Collection method: clinical testing. Allele origin: germline. Affected: yes.
Comment: This variant is moderate evidence of a null variant (PVS1_Mod), absent or extremely rare in population databases (PM2_supp), strong computational evidence supports a deleterious effect on the gene or gene product (PP3_Strong) and the patients phenotype or family history is highly specific for a disease with a single genetic etiology (PP4)

NM_012197.4(RABGAP1):c.2628+1G>A

Gene: RABGAP1 (RAB GTPase activating protein 1; plus strand). Cytogenetic location: 9q33.2.
Variant type: single nucleotide variant.
Coding change: c.2628+1G>A on transcript NM_012197.4 (MANE Select); the canonical splice donor site of the intron after coding-DNA position 2628, G replaced by A.
Molecular consequence: splice donor variant.
Genome position (GRCh38, 1-based): chr9:123,090,386, G>A. VCF-style: chr9-123090386-G-A. GRCh37 (hg19) VCF-style: chr9-125852665-G-A.
Identifiers: ClinVar variation 4813356 (VCV004813356.1).